The following is an entry in ClinVar:

ClinVar aggregate classification (germline): Likely pathogenic. Review status: criteria provided, multiple submitters, no conflicts (2 of 4 stars). 2 submissions from 2 submitters: Likely pathogenic (2). Last evaluated 2023-07-22.

Conditions:
Congenital muscular hypertrophy-cerebral syndrome (CDLS2). Also called: SMC1A-Related Cornelia de Lange Syndrome; Cornelia de Lange syndrome 2. Identifiers: Orphanet 199, MedGen C1802395, MONDO:0010370, OMIM 300590.

Submissions (2):

Baylor Genetics
Classification: Likely pathogenic for Congenital muscular hypertrophy-cerebral syndrome. Last evaluated: 2023-07-22. Review status: criteria provided, single submitter. Criteria: ACMG Guidelines, 2015. Collection method: clinical testing. Allele origin: unknown.

Labcorp Genetics (formerly Invitae), Labcorp
Classification: Likely pathogenic for Congenital muscular hypertrophy-cerebral syndrome. Last evaluated: 2023-07-12. Review status: criteria provided, single submitter. Criteria: Invitae Variant Classification Sherloc (09022015). Collection method: clinical testing. Allele origin: germline.
Comment: This variant has not been reported in the literature in individuals affected with SMC1A-related conditions. Algorithms developed to predict the effect of sequence changes on RNA splicing suggest that this variant may disrupt the consensus splice site. In summary, the currently available evidence indicates that the variant is pathogenic, but additional data are needed to prove that conclusively. Therefore, this variant has been classified as Likely Pathogenic. This variant is not present in population databases (gnomAD no frequency). This sequence change affects an acceptor splice site in intron 9 of the SMC1A gene. It is expected to disrupt RNA splicing. Variants that disrupt the donor or acceptor splice site typically lead to a loss of protein function (PMID: 16199547), and loss-of-function variants in SMC1A are known to be pathogenic (PMID: 26386245, 27334371, 28166369, 28548707, 31334757).

Literature cited by the submitters: PubMed 16199547 (cited by Labcorp Genetics (formerly Invitae), Labcorp); PubMed 26386245 (cited by Labcorp Genetics (formerly Invitae), Labcorp); PubMed 27334371 (cited by Labcorp Genetics (formerly Invitae), Labcorp); PubMed 28166369 (cited by Labcorp Genetics (formerly Invitae), Labcorp); PubMed 28548707 (cited by Labcorp Genetics (formerly Invitae), Labcorp); PubMed 31334757 (cited by Labcorp Genetics (formerly Invitae), Labcorp).

NM_006306.4(SMC1A):c.1546-2A>C

Gene: SMC1A (structural maintenance of chromosomes 1A; minus strand). Cytogenetic location: Xp11.22.
Variant type: single nucleotide variant.
Coding change: c.1546-2A>C on transcript NM_006306.4 (MANE Select); the canonical splice acceptor site of the intron before coding-DNA position 1546, A replaced by C.
Molecular consequence: splice acceptor variant.
Genome position (GRCh38, 1-based): chrX:53,405,958, T>G on the plus strand (A>C on the coding strand, the complement: SMC1A is on the minus strand). VCF-style: chrX-53405958-T-G. GRCh37 (hg19) VCF-style: chrX-53432890-T-G.
Other names: c.1480-2A>C (NM_001281463.1).
Identifiers: ClinVar variation 2582663 (VCV002582663.4), dbSNP rs2520930904, ClinGen allele CA413254074.